The following is an entry in ClinVar:

ClinVar aggregate classification (germline): Pathogenic (1 of 4 stars; one submission).

Conditions:
Tuberous sclerosis 1 (TSC1). Identifiers: Orphanet 805, MedGen C1854465, MONDO:0008612, OMIM 191100.

Submission:

Labcorp Genetics (formerly Invitae), Labcorp
Classification: Pathogenic for Tuberous sclerosis 1. Last evaluated: 2024-05-13. Review status: criteria provided, single submitter. Criteria: Invitae Variant Classification Sherloc (09022015). Collection method: clinical testing. Allele origin: germline.
Comment: This sequence change creates a premature translational stop signal (p.Asp476Glyfs*2) in the TSC1 gene. It is expected to result in an absent or disrupted protein product. Loss-of-function variants in TSC1 are known to be pathogenic (PMID: 10227394, 17304050). This variant is not present in population databases (gnomAD no frequency). This variant has not been reported in the literature in individuals affected with TSC1-related conditions. Algorithms developed to predict the effect of sequence changes on RNA splicing suggest that this variant may disrupt the consensus splice site. For these reasons, this variant has been classified as Pathogenic.

Literature cited by the submitters: PubMed 10227394; PubMed 17304050.

NM_000368.5(TSC1):c.1426dup (p.Asp476fs)

Gene: TSC1 (TSC complex subunit 1; minus strand). Cytogenetic location: 9q34.13.
Variant type: Duplication.
Coding change: c.1426dup on transcript NM_000368.5 (MANE Select); coding-DNA position 1426, one base duplicated (G; older notation c.1426dupG).
Protein change: p.Asp476fs; shifts the reading frame from aspartic acid 476.
Molecular consequence: frameshift variant. On other transcripts: non-coding transcript variant (5).
Genome position (GRCh38, 1-based): chr9:132,906,743, C duplicated on the plus strand (G on the coding strand, the reverse complement: TSC1 is on the minus strand). VCF-style (leftmost placement, unchanged base first): chr9-132906742-T-TC. GRCh37 (hg19) VCF-style: chr9-135782129-T-TC.
Other names: c.1426dup, p.Asp476fs (NM_001406592.1, NM_001406593.1, NM_001406594.1 and 7 more transcripts); c.1423dup, p.Asp475fs (NM_001406597.1, NM_001406598.1, NM_001406599.1 and 6 more transcripts); c.1273dup, p.Asp425fs (NM_001406610.1, NM_001162427.2); c.1270dup, p.Asp424fs (NM_001406611.1, NM_001406612.1, NM_001406613.1); c.1063dup, p.Asp355fs (NM_001406614.1, NM_001406615.1, NM_001406616.1 and 5 more transcripts); c.1060dup, p.Asp354fs (NM_001406620.1, NM_001406621.1, NM_001406622.1 and 2 more transcripts); c.475dup, p.Asp159fs (NM_001406626.1); c.472dup, p.Asp158fs (NM_001406627.1, NM_001406628.1); and 1 more; short protein forms D158fs, D355fs, D125fs, D425fs, D159fs, D354fs, D424fs, D475fs.
Identifiers: ClinVar variation 3653180 (VCV003653180.2).